The following is an entry in ClinVar:

NM_004260.4(RECQL4):c.2714_2727del (p.Pro905fs)

Gene: RECQL4 (RecQ like helicase 4; minus strand). Cytogenetic location: 8q24.3.
Variant type: Deletion.
Coding change: c.2714_2727del on transcript NM_004260.4 (MANE Select); coding-DNA positions 2714 to 2727, 14 bases deleted (CAATACAGCTTACC).
Protein change: p.Pro905fs; shifts the reading frame from proline 905.
Molecular consequence: frameshift variant. On other transcripts: non-coding transcript variant (3).
Genome position (GRCh38, 1-based): chr8:144,512,875-144,512,888, GGTAAGCTGTATTG deleted on the plus strand (CAATACAGCTTACC on the coding strand, the reverse complement: RECQL4 is on the minus strand); deleting any 14 consecutive bases within chr8:144,512,875-144,512,890 gives the same sequence; the c. name uses the placement nearest the transcript's 3' end. VCF-style (leftmost placement, unchanged base first): chr8-144512874-CGGTAAGCTGTATTG-C. GRCh37 (hg19) VCF-style: chr8-145738257-CGGTAAGCTGTATTG-C.
Other names: c.1643_1656del, p.Pro548fs (NM_001413028.1, NM_001413034.1, NM_001413035.1 and 5 more transcripts); c.2363_2376del, p.Pro788fs (NM_001413029.1); c.1577_1590del, p.Pro526fs (NM_001413030.1, NM_001413032.1, NM_001413027.1 and 1 more transcripts); c.1445_1458del, p.Pro482fs (NM_001413031.1, NM_001413038.1); c.2582_2595del, p.Pro861fs (NM_001413033.1); c.2714_2727del, p.Pro905fs (NM_001413036.1, NM_001413019.1); c.2420_2433del, p.Pro807fs (NM_001413017.1); c.2516_2529del, p.Pro839fs (NM_001413018.1); and 6 more; short protein forms P526fs, P538fs, P482fs, P807fs, P905fs, P416fs, P504fs, P788fs.
Identifiers: ClinVar variation 2696521 (VCV002696521.3), dbSNP rs2537997009, ClinGen allele CA2697550234.

ClinVar aggregate classification (germline): Pathogenic (1 of 4 stars; one submission).

Conditions:
Baller-Gerold syndrome (BGS). Also called: CRANIOSYNOSTOSIS WITH RADIAL DEFECTS. Identifiers: Orphanet 1225, MedGen C0265308, MONDO:0009039, OMIM 218600.

Submission:

Labcorp Genetics (formerly Invitae), Labcorp
Classification: Pathogenic for Baller-Gerold syndrome. Last evaluated: 2024-03-07. Review status: criteria provided, single submitter. Criteria: Invitae Variant Classification Sherloc (09022015). Collection method: clinical testing. Allele origin: germline.
Comment: This sequence change creates a premature translational stop signal (p.Pro905Argfs*67) in the RECQL4 gene. It is expected to result in an absent or disrupted protein product. Loss-of-function variants in RECQL4 are known to be pathogenic (PMID: 12734318, 12952869). This variant is not present in population databases (gnomAD no frequency). This variant has not been reported in the literature in individuals affected with RECQL4-related conditions. For these reasons, this variant has been classified as Pathogenic.

Literature cited by the submitters: PubMed 12734318; PubMed 12952869.